The following is an entry in ClinVar:

NM_018668.5(VPS33B):c.262C>A (p.Arg88Ser)

Gene: VPS33B (VPS33B late endosome and lysosome associated; minus strand). Cytogenetic location: 15q26.1.
Variant type: single nucleotide variant.
Coding change: c.262C>A on transcript NM_018668.5 (MANE Select); coding-DNA position 262, C replaced by A.
Protein change: p.Arg88Ser; replaces arginine 88 with serine.
Molecular consequence: missense variant. On other transcripts: 5 prime UTR variant (1).
Genome position (GRCh38, 1-based): chr15:91,014,411, G>T on the plus strand (C>A on the coding strand, the complement: VPS33B is on the minus strand). VCF-style: chr15-91014411-G-T. GRCh37 (hg19) VCF-style: chr15-91557641-G-T.
Other names: c.181C>A, p.Arg61Ser (NM_001289148.1); c.-12C>A (NM_001289149.1); short protein forms R61S, R88S.
Identifiers: ClinVar variation 4999230 (VCV004999230.1).

ClinVar aggregate classification (germline): Uncertain significance (1 of 4 stars; one submission).

Conditions:
VPS33B-related disorder. Also called: VPS33B-related condition.

gnomAD v4.1: 3 of 1,613,752 alleles (0.00019%); highest among the groups gnomAD compares: Admixed American, 0.0033%; no homozygotes.

Submission:

PreventionGenetics, part of Exact Sciences
Classification: Uncertain significance for VPS33B-related condition. Last evaluated: 2025-03-31. Review status: criteria provided, single submitter. Criteria: ACMG Guidelines, 2015. Collection method: clinical testing. Allele origin: germline.
Comment: The VPS33B c.262C>A variant is predicted to result in the amino acid substitution p.Arg88Ser. To our knowledge, this variant has not been reported in the literature. This variant is reported in 0.0029% of alleles in individuals of Latino descent in gnomAD. At this time, the clinical significance of this variant is uncertain due to the absence of conclusive functional and genetic evidence.